The following is an entry in ClinVar:

ClinVar aggregate classification (germline): Likely pathogenic (1 of 4 stars; one submission).

Conditions:
Intellectual developmental disorder, autosomal dominant 50, with behavioral abnormalities. Also called: MENTAL RETARDATION, AUTOSOMAL DOMINANT 50; Intellectual disability, autosomal dominant 50. Identifiers: MedGen C4540470, MONDO:0030916, OMIM 617787.

Submission:

3billion
Classification: Likely pathogenic for Intellectual developmental disorder, autosomal dominant 50, with behavioral abnormalities. Last evaluated: 2024-12-18. Review status: criteria provided, single submitter. Criteria: ACMG Guidelines, 2015. Collection method: clinical testing. Allele origin: germline. Affected: yes.
Comment: The variant is not observed in the gnomAD v4.1.0 dataset. Predicted Consequence/Location: Frameshift: predicted to result in a loss or disruption of normal protein function through nonsense-mediated decay (NMD) or protein truncation. Multiple pathogenic variants are reported downstream of the variant. Therefore, this variant is classified as Likely pathogenic according to the recommendation of ACMG/AMP guideline.

NM_057175.5(NAA15):c.102del (p.Lys34fs)

Gene: NAA15 (N-alpha-acetyltransferase 15, NatA auxiliary subunit; plus strand). Cytogenetic location: 4q31.1.
Variant type: Deletion.
Coding change: c.102del on transcript NM_057175.5 (MANE Select); coding-DNA position 102, one base deleted (A; older notation c.102delA).
Protein change: p.Lys34fs; shifts the reading frame from lysine 34.
Molecular consequence: frameshift variant.
Genome position (GRCh38, 1-based): chr4:139,334,221, A deleted; the last of 3 consecutive A bases (chr4:139,334,219-139,334,221); deleting any one gives the same sequence. VCF-style (leftmost placement, unchanged base first): chr4-139334218-TA-T. GRCh37 (hg19) VCF-style: chr4-140255372-TA-T.
Other names: c.102del, p.Lys34fs (NM_001410842.1); short protein forms K34fs.
Identifiers: ClinVar variation 4293920 (VCV004293920.1).